The following is an entry in ClinVar:

ClinVar aggregate classification (germline): Uncertain significance (1 of 4 stars; one submission).

Conditions:
Brugada syndrome 4 (BRGDA4). Identifiers: Orphanet 130, MedGen C2678477, MONDO:0012743, OMIM 611876.

gnomAD v4.1: 1 of 1,614,150 alleles (0.000062%); highest among the groups gnomAD compares: Non-Finnish European, 0.000085%; no homozygotes.

Submission:

Labcorp Genetics (formerly Invitae), Labcorp
Classification: Uncertain significance for Brugada syndrome 4. Last evaluated: 2020-07-27. Review status: criteria provided, single submitter. Criteria: Invitae Variant Classification Sherloc (09022015). Collection method: clinical testing. Allele origin: germline.
Comment: This sequence change creates a premature translational stop signal (p.Gln10*) in the CACNB2 gene. It is expected to result in an absent or disrupted protein product. In summary, the available evidence is currently insufficient to determine the role of this variant in disease. Therefore, it has been classified as a Variant of Uncertain Significance. The current clinical and genetic evidence is not sufficient to establish whether loss-of-function variants in CACNB2 cause disease. This variant has not been reported in the literature in individuals with CACNB2-related conditions. This variant is not present in population databases (ExAC no frequency).

NM_201590.3(CACNB2):c.28C>T (p.Gln10Ter)

Gene: CACNB2 (calcium voltage-gated channel auxiliary subunit beta 2; plus strand). Cytogenetic location: 10p12.32.
Variant type: single nucleotide variant.
Coding change: c.28C>T on transcript NM_201590.3 (MANE Plus Clinical); coding-DNA position 28, C replaced by T.
Protein change: p.Gln10Ter; replaces glutamine 10 with a stop codon.
Molecular consequence: nonsense. On other transcripts: intron variant (8).
Genome position (GRCh38, 1-based): chr10:18,340,954, C>T. VCF-style: chr10-18340954-C-T. GRCh37 (hg19) VCF-style: chr10-18629883-C-T.
Other names: c.130-60970C>T (NM_201571.4, NM_001167945.2, NM_201572.4); c.214-60970C>T (NM_201596.3, NM_201593.3, NM_201597.3); c.49-60970C>T (NM_000724.4, NM_001330060.2); short protein forms Q10*.
Identifiers: ClinVar variation 1012136 (VCV001012136.6), dbSNP rs2041209208, ClinGen allele CA376219156.
Genomic context (GRCh38, chr10:18,340,954, plus strand): 5'-TGGAGTGCTGGGCGCACTTGGAATTGGTCTAGCATGCTTGACAGACGCCTTATAGCTCCT[C>T]AAACTAAATACATTATTCCTGGGGTAAGCATACGGGAGAGAAGCCGGCCAGATGCACGGT-3'